The following is an entry in ClinVar:

NM_005235.3(ERBB4):c.632C>T (p.Thr211Met)

Gene: ERBB4 (erb-b2 receptor tyrosine kinase 4; minus strand). Cytogenetic location: 2q34.
Variant type: single nucleotide variant.
Coding change: c.632C>T on transcript NM_005235.3 (MANE Select); coding-DNA position 632, C replaced by T.
Protein change: p.Thr211Met; replaces threonine 211 with methionine.
Molecular consequence: missense variant.
Genome position (GRCh38, 1-based): chr2:211,725,185, G>A on the plus strand (C>T on the coding strand, the complement: ERBB4 is on the minus strand). VCF-style: chr2-211725185-G-A. GRCh37 (hg19) VCF-style: chr2-212589910-G-A.
Other names: c.632C>T, p.Thr211Met (NM_001042599.2); short protein forms T211M.
Identifiers: ClinVar variation 3706699 (VCV003706699.2).

ClinVar aggregate classification (germline): Uncertain significance (1 of 4 stars; one submission).

gnomAD v4.1: 23 of 1,612,552 alleles (0.0014%); highest among the groups gnomAD compares: South Asian, 0.014%; no homozygotes.

Submission:

Labcorp Genetics (formerly Invitae), Labcorp
Classification: Uncertain significance. Last evaluated: 2024-10-15. Review status: criteria provided, single submitter. Criteria: Invitae Variant Classification Sherloc (09022015). Collection method: clinical testing. Allele origin: germline.
Comment: This sequence change replaces threonine, which is neutral and polar, with methionine, which is neutral and non-polar, at codon 211 of the ERBB4 protein (p.Thr211Met). This variant is present in population databases (rs771486473, gnomAD 0.01%). This variant has not been reported in the literature in individuals affected with ERBB4-related conditions. Invitae Evidence Modeling of protein sequence and biophysical properties (such as structural, functional, and spatial information, amino acid conservation, physicochemical variation, residue mobility, and thermodynamic stability) indicates that this missense variant is not expected to disrupt ERBB4 protein function with a negative predictive value of 80%. In summary, the available evidence is currently insufficient to determine the role of this variant in disease. Therefore, it has been classified as a Variant of Uncertain Significance.